The following is an entry in ClinVar:

ClinVar aggregate classification (germline): Uncertain significance (1 of 4 stars; one submission).

Allele frequency attached by ClinVar (database versions not stated): gnomAD 0.00001; TOPMed 0.00002.
gnomAD v4.1: 1 of 1,613,860 alleles (0.000062%); highest among the groups gnomAD compares: African/African-American, 0.0013%; no homozygotes.

Submission:

Women's Health and Genetics/Laboratory Corporation of America, LabCorp
Classification: Uncertain significance. Last evaluated: 2024-02-27. Review status: criteria provided, single submitter. Criteria: LabCorp Variant Classification Summary - May 2015. Collection method: clinical testing. Allele origin: germline.
Comment: Variant summary: SYNE1 c.25483G>A (p.Gly8495Ser) results in a non-conservative amino acid change in the encoded protein sequence. Four of five in-silico tools predict a benign effect of the variant on protein function. The variant was absent in 251148 control chromosomes (gnomAD). The available data on variant occurrences in the general population are insufficient to allow any conclusion about variant significance. To our knowledge, no occurrence of c.25483G>A in individuals affected with SYNE1-Related Disorders and no experimental evidence demonstrating its impact on protein function have been reported. No submitters have cited clinical-significance assessments for this variant to ClinVar. Based on the evidence outlined above, the variant was classified as uncertain significance.

NM_182961.4(SYNE1):c.25627G>A (p.Gly8543Ser)

Gene: SYNE1 (spectrin repeat containing nuclear envelope protein 1; minus strand). Cytogenetic location: 6q25.2.
Variant type: single nucleotide variant.
Coding change: c.25627G>A on transcript NM_182961.4 (MANE Select); coding-DNA position 25627, G replaced by A.
Protein change: p.Gly8543Ser; replaces glycine 8543 with serine.
Molecular consequence: missense variant.
Genome position (GRCh38, 1-based): chr6:152,136,650, C>T on the plus strand (G>A on the coding strand, the complement: SYNE1 is on the minus strand). VCF-style: chr6-152136650-C-T. GRCh37 (hg19) VCF-style: chr6-152457785-C-T.
Other names: c.2233G>A, p.Gly745Ser (NM_001347701.2); c.2161G>A, p.Gly721Ser (NM_001347702.2); c.25483G>A, p.Gly8495Ser (NM_033071.5); short protein forms G721S, G745S, G8495S, G8543S.
Identifiers: ClinVar variation 3068789 (VCV003068789.2), dbSNP rs1352537253, ClinGen allele CA366078837.